The following is an entry in ClinVar:

ClinVar aggregate classification (germline): Uncertain significance. Review status: criteria provided, multiple submitters, no conflicts (2 of 4 stars). 3 submissions from 3 submitters: Uncertain significance (3). Last evaluated 2025-08-07.

Allele frequency attached by ClinVar (database versions not stated): TOPMed 0.00003; gnomAD 0.00005 and 0.00006; gnomAD exomes 0.00013.
gnomAD v4.1: 143 of 1,212,172 alleles (0.012%); highest among the groups gnomAD compares: Non-Finnish European, 0.014%; no homozygotes.

Submissions (3):

Labcorp Genetics (formerly Invitae), Labcorp
Classification: Uncertain significance. Last evaluated: 2025-08-07. Review status: criteria provided, single submitter. Criteria: Invitae Variant Classification Sherloc (09022015). Collection method: clinical testing. Allele origin: germline.
Comment: This sequence change replaces alanine, which is neutral and non-polar, with serine, which is neutral and polar, at codon 72 of the GALNT12 protein (p.Ala72Ser). This variant is present in population databases (no rsID available, gnomAD 0.007%). This variant has not been reported in the literature in individuals affected with GALNT12-related conditions. ClinVar contains an entry for this variant (Variation ID: 485647). Invitae Evidence Modeling of protein sequence and biophysical properties (such as structural, functional, and spatial information, amino acid conservation, physicochemical variation, residue mobility, and thermodynamic stability) indicates that this missense variant is not expected to disrupt GALNT12 protein function with a negative predictive value of 80%. In summary, the available evidence is currently insufficient to determine the role of this variant in disease. Therefore, it has been classified as a Variant of Uncertain Significance.

Ambry Genetics
Classification: Uncertain significance. Last evaluated: 2025-02-16. Review status: criteria provided, single submitter. Criteria: Ambry Variant Classification Scheme 2023. Collection method: clinical testing. Allele origin: germline.
Comment: The p.A72S variant (also known as c.214G>T), located in coding exon 1 of the GALNT12 gene, results from a G to T substitution at nucleotide position 214. The alanine at codon 72 is replaced by serine, an amino acid with similar properties. The p.A72S alteration was identified in a cohort of 110 families with colon neoplasia undergoing linkage analysis, but functional consequence of this variant was not assessed (Gray-McGuire C et al. Cancer Res. 2010 Jul;70:5409-18). This amino acid position is poorly conserved in available vertebrate species. In addition, this alteration is predicted to be tolerated by in silico analysis. Since supporting evidence is limited at this time, the clinical significance of this alteration remains unclear.

Quest Diagnostics Nichols Institute San Juan Capistrano
Classification: Uncertain significance. Last evaluated: 2024-08-22. Review status: criteria provided, single submitter. Criteria: Quest Diagnostics criteria. Collection method: clinical testing. Allele origin: unknown.
Comment: The GALNT12 c.214G>T (p.Ala72Ser) variant has not been reported in individuals with GALNT12-related conditions in the published literature. The frequency of this variant in the general population, 0.000037 (1/27012 chromosomes (Genome Aggregation Database)), is uninformative in the assessment of its pathogenicity. Analysis of this variant using bioinformatics tools for the prediction of the effect of amino acid changes on protein structure and function yielded predictions that this variant is benign. Based on the available information, we are unable to determine the clinical significance of this variant.

Literature cited by the submitters: PubMed 20551049 (cited by Ambry Genetics).

NM_024642.5(GALNT12):c.214G>T (p.Ala72Ser)

Gene: GALNT12 (polypeptide N-acetylgalactosaminyltransferase 12; plus strand). Cytogenetic location: 9q22.33.
Variant type: single nucleotide variant.
Coding change: c.214G>T on transcript NM_024642.5 (MANE Select); coding-DNA position 214, G replaced by T.
Protein change: p.Ala72Ser; replaces alanine 72 with serine.
Molecular consequence: missense variant.
Genome position (GRCh38, 1-based): chr9:98,807,912, G>T. VCF-style: chr9-98807912-G-T. GRCh37 (hg19) VCF-style: chr9-101570194-G-T.
Other names: short protein forms A72S.
Identifiers: ClinVar variation 485647 (VCV000485647.15), dbSNP rs1439506011, ClinGen allele CA374222535.